The following is an entry in ClinVar:

ClinVar aggregate classification (germline): Likely benign. Review status: criteria provided, multiple submitters, no conflicts (2 of 4 stars). 2 submissions from 2 submitters: Likely benign (2). Last evaluated 2025-11-29.

Allele frequency attached by ClinVar (database versions not stated): gnomAD exomes 0.00001; ExAC 0.00002; gnomAD 0.00003; TOPMed 0.00003.

Submissions (2):

Labcorp Genetics (formerly Invitae), Labcorp
Classification: Likely benign. Last evaluated: 2025-11-29. Review status: criteria provided, single submitter. Criteria: Invitae Variant Classification Sherloc (09022015). Collection method: clinical testing. Allele origin: germline.

CeGaT Center for Human Genetics Tuebingen
Classification: Likely benign. Last evaluated: 2025-10-01. Review status: criteria provided, single submitter. Criteria: CeGaT Center For Human Genetics Tuebingen Variant Classification Criteria Version 2. Collection method: clinical testing. Allele origin: germline. Affected: yes. Observed: 1 variant allele.
Comment: SON: BP4, BP7

NM_138927.4(SON):c.3231A>G (p.Pro1077=)

Gene: SON (SON DNA and RNA binding protein; plus strand). Cytogenetic location: 21q22.11.
Variant type: single nucleotide variant.
Coding change: c.3231A>G on transcript NM_138927.4 (MANE Select); coding-DNA position 3231, A replaced by G.
Protein change: p.Pro1077=; no amino-acid change (proline 1077 retained).
Molecular consequence: synonymous variant. On other transcripts: non-coding transcript variant (1), intron variant (1).
Genome position (GRCh38, 1-based): chr21:33,552,462, A>G. VCF-style: chr21-33552462-A-G. GRCh37 (hg19) VCF-style: chr21-34924768-A-G.
Other names: c.3231A>G, p.Pro1077= (NM_001291411.2, NM_001412133.1, NM_032195.3 and 2 more transcripts); c.245-4694A>G (NM_001291412.3).
Identifiers: ClinVar variation 2163190 (VCV002163190.10), dbSNP rs747913060, ClinGen allele CA10009237.